The following is an entry in ClinVar:

NM_001042681.2(RERE):c.3135_3149del (p.Pro1046_Pro1050del)

Gene: RERE (arginine-glutamic acid dipeptide repeats; minus strand). Cytogenetic location: 1p36.23.
Variant type: Deletion.
Coding change: c.3135_3149del on transcript NM_001042681.2 (MANE Select); coding-DNA positions 3135 to 3149, 15 bases deleted (TCCCATCACCCCTCC).
Protein change: p.Pro1046_Pro1050del.
Molecular consequence: inframe deletion.
Genome position (GRCh38, 1-based): chr1:8,360,358-8,360,372, GGAGGGGTGATGGGA deleted on the plus strand (TCCCATCACCCCTCC on the coding strand, the reverse complement: RERE is on the minus strand); deleting any 15 consecutive bases within chr1:8,360,358-8,360,378 gives the same sequence; the c. name uses the placement nearest the transcript's 3' end. VCF-style (leftmost placement, unchanged base first): chr1-8360357-CGGAGGGGTGATGGGA-C. GRCh37 (hg19) VCF-style: chr1-8420417-CGGAGGGGTGATGGGA-C.
Other names: c.1473_1487del, p.Pro492_Pro496del (NM_001042682.2); c.3135_3149del, p.Pro1046_Pro1050del (NM_012102.4).
Identifiers: ClinVar variation 3343514 (VCV003343514.1).

ClinVar aggregate classification (germline): Uncertain significance (1 of 4 stars; one submission).

Submission:

GeneDx
Classification: Uncertain significance. Last evaluated: 2023-05-15. Review status: criteria provided, single submitter. Criteria: GeneDx Variant Classification Process June 2021. Collection method: clinical testing. Allele origin: germline. Affected: yes.
Comment: Not observed at significant frequency in large population cohorts (gnomAD); In-frame deletion of 5 amino acids in a non-repeat region; In silico analysis supports a deleterious effect on protein structure/function; Has not been previously published as pathogenic or benign to our knowledge